The following is an entry in ClinVar:

ClinVar aggregate classification (germline): Uncertain significance (1 of 4 stars; one submission).

Conditions:
Nemaline myopathy 2 (NEM2). Also called: Nemaline myopathy 2, autosomal recessive. Identifiers: MedGen C1850569, MONDO:0009725, OMIM 256030.

Submission:

Labcorp Genetics (formerly Invitae), Labcorp
Classification: Uncertain significance for Nemaline myopathy 2. Last evaluated: 2022-10-05. Review status: criteria provided, single submitter. Criteria: Invitae Variant Classification Sherloc (09022015). Collection method: clinical testing. Allele origin: germline.
Comment: This sequence change replaces leucine, which is neutral and non-polar, with valine, which is neutral and non-polar, at codon 5613 of the NEB protein (p.Leu5613Val). This variant is not present in population databases (gnomAD no frequency). This variant has not been reported in the literature in individuals affected with NEB-related conditions. Algorithms developed to predict the effect of missense changes on protein structure and function are either unavailable or do not agree on the potential impact of this missense change (SIFT: "Deleterious"; PolyPhen-2: "Not Available"; Align-GVGD: "Class C0"). Algorithms developed to predict the effect of sequence changes on RNA splicing suggest that this variant may create or strengthen a splice site. In summary, the available evidence is currently insufficient to determine the role of this variant in disease. Therefore, it has been classified as a Variant of Uncertain Significance.

NM_001164508.2(NEB):c.16837C>G (p.Leu5613Val)

Gene: NEB (nebulin; minus strand). Cytogenetic location: 2q23.3.
Variant type: single nucleotide variant.
Coding change: c.16837C>G on transcript NM_001164508.2 (MANE Select); coding-DNA position 16837, C replaced by G.
Protein change: p.Leu5613Val; replaces leucine 5613 with valine.
Molecular consequence: missense variant.
Genome position (GRCh38, 1-based): chr2:151,576,222, G>C on the plus strand (C>G on the coding strand, the complement: NEB is on the minus strand). VCF-style: chr2-151576222-G-C. GRCh37 (hg19) VCF-style: chr2-152432736-G-C.
Other names: c.16837C>G, p.Leu5613Val (NM_001164507.2, NM_001271208.2); c.11734C>G, p.Leu3912Val (NM_004543.5); short protein forms L5613V, L3912V.
Identifiers: ClinVar variation 2003247 (VCV002003247.4), dbSNP rs2552199709, ClinGen allele CA348810347.
Genomic context (GRCh38, chr2:151,576,222, plus strand): 5'-TTTCAGCATTTGATTTAGCAAGGACCACTTCAGGTGTGTCAACAATGCTTGTGTACTTAA[G>C]GTTCACCACAGGCGTCCGATAGACACTGTCACAAAAGATATTCTGGGCGTTTTTGACTCT-3'
Protein context (NP_001157980.2, residues 5603-5623): DSVYRTPVVN[Leu5613Val]KYTSIVDTPE